The following is an entry in ClinVar:

ClinVar aggregate classification (germline): Likely benign (0 of 4 stars; one submission).

Conditions:
BEST1-related disorder. Also called: BEST1-related disorders; BEST1-related condition. Identifiers: MedGen CN239200.

Submission:

PreventionGenetics, part of Exact Sciences
Classification: Likely benign for BEST1-related condition. Last evaluated: 2020-02-24. Review status: no assertion criteria provided. Collection method: clinical testing. Allele origin: germline.
Comment: This variant is classified as likely benign based on ACMG/AMP sequence variant interpretation guidelines (Richards et al. 2015 PMID: 25741868, with internal and published modifications).

NM_004183.4(BEST1):c.248-10T>A

Gene: BEST1 (bestrophin 1; plus strand). Cytogenetic location: 11q12.3.
Variant type: single nucleotide variant.
Coding change: c.248-10T>A on transcript NM_004183.4 (MANE Select); 10 bases into the intron before coding-DNA position 248, T replaced by A.
Molecular consequence: intron variant.
Genome position (GRCh38, 1-based): chr11:61,955,708, T>A. VCF-style: chr11-61955708-T-A. GRCh37 (hg19) VCF-style: chr11-61723180-T-A.
Other names: c.248-10T>A (NM_001363592.2, NM_001440571.1, NM_001440572.1 and 1 more transcripts); c.68-10T>A (NM_001139443.3, NM_001300787.2, NM_001440574.1 and 3 more transcripts); c.-928-10T>A (NM_001363593.3); c.-71-10T>A (NM_001363591.3).
Identifiers: ClinVar variation 3059328 (VCV003059328.2), dbSNP rs1479747309, ClinGen allele CA2574845989.